The following is an entry in ClinVar:

NM_001378120.1(MBD5):c.1140T>G (p.Ser380Arg)

Gene: MBD5 (methyl-CpG binding domain protein 5; plus strand). Cytogenetic location: 2q23.1.
Variant type: single nucleotide variant.
Coding change: c.1140T>G on transcript NM_001378120.1 (MANE Select); coding-DNA position 1140, T replaced by G.
Protein change: p.Ser380Arg; replaces serine 380 with arginine.
Molecular consequence: missense variant.
Genome position (GRCh38, 1-based): chr2:148,469,083, T>G. VCF-style: chr2-148469083-T-G. GRCh37 (hg19) VCF-style: chr2-149226652-T-G.
Other names: c.1140T>G, p.Ser380Arg (NM_018328.5); short protein forms S380R.
Identifiers: ClinVar variation 3369153 (VCV003369153.1).

ClinVar aggregate classification (germline): Uncertain significance (1 of 4 stars; one submission).

gnomAD v4.1: 6 of 1,614,072 alleles (0.00037%); highest among the groups gnomAD compares: Non-Finnish European, 0.00034%; no homozygotes.

Submission:

GeneDx
Classification: Uncertain significance. Last evaluated: 2024-02-12. Review status: criteria provided, single submitter. Criteria: GeneDx Variant Classification Process June 2021. Collection method: clinical testing. Allele origin: germline. Affected: yes.
Comment: Not observed at significant frequency in large population cohorts (gnomAD); In silico analysis supports that this missense variant does not alter protein structure/function; Has not been previously published as pathogenic or benign to our knowledge